The following is an entry in ClinVar:

ClinVar aggregate classification (germline): Uncertain significance (1 of 4 stars; one submission).

Conditions:
Leukodystrophy, hypomyelinating, 15. Identifiers: MedGen C4693733, MONDO:0054782, OMIM 617951.

Submission:

3billion
Classification: Uncertain significance for Leukodystrophy, hypomyelinating, 15. Last evaluated: 2025-09-02. Review status: criteria provided, single submitter. Criteria: ACMG Guidelines, 2015. Collection method: clinical testing. Allele origin: germline. Affected: yes.
Comment: The variant is not observed in the gnomAD v4.1.0 dataset. Predicted Consequence/Location: Intron variant In silico tools predict the variant to alter splicing and produce an abnormal transcript [SpliceAI: 0.90 (>=0.2, moderate evidence for spliceogenicity)]. Therefore, this variant is classified as VUS according to the recommendation of ACMG/AMP guideline.

NM_004446.3(EPRS1):c.3374-10T>A

Gene: EPRS1 (glutamyl-prolyl-tRNA synthetase 1; minus strand). Cytogenetic location: 1q41.
Variant type: single nucleotide variant.
Coding change: c.3374-10T>A on transcript NM_004446.3 (MANE Select); 10 bases into the intron before coding-DNA position 3374, T replaced by A.
Molecular consequence: intron variant.
Genome position (GRCh38, 1-based): chr1:219,981,467, A>T on the plus strand (T>A on the coding strand, the complement: EPRS1 is on the minus strand). VCF-style: chr1-219981467-A-T. GRCh37 (hg19) VCF-style: chr1-220154809-A-T.
Identifiers: ClinVar variation 4854213 (VCV004854213.1).